The following is an entry in ClinVar:

ClinVar aggregate classification (germline): Uncertain significance. Review status: criteria provided, multiple submitters, no conflicts (2 of 4 stars). 2 submissions from 2 submitters: Uncertain significance (2). Last evaluated 2025-06-08.

Conditions:
PTPRS-related disorder. Also called: PTPRS-related condition.

Allele frequency attached by ClinVar (database versions not stated): gnomAD 0.00002; gnomAD exomes 0.00002; TOPMed 0.00002.
gnomAD v4.1: 35 of 1,606,836 alleles (0.0022%); highest among the groups gnomAD compares: Non-Finnish European, 0.0028%; no homozygotes.

Submissions (2):

Ambry Genetics
Classification: Uncertain significance. Last evaluated: 2025-06-08. Review status: criteria provided, single submitter. Criteria: Ambry Variant Classification Scheme 2023. Collection method: clinical testing. Allele origin: germline.

PreventionGenetics, part of Exact Sciences
Classification: Uncertain significance for PTPRS-related condition. Last evaluated: 2025-05-07. Review status: criteria provided, single submitter. Criteria: ACMG Guidelines, 2015. Collection method: clinical testing. Allele origin: germline.
Comment: The PTPRS c.2146G>A variant is predicted to result in the amino acid substitution p.Asp716Asn. To our knowledge, this variant has not been reported in the literature. This variant is reported in 0.0016% of alleles in individuals of European (Non-Finnish) descent in gnomAD. At this time, the clinical significance of this variant is uncertain due to the absence of conclusive functional and genetic evidence.

NM_002850.4(PTPRS):c.2146G>A (p.Asp716Asn)

Gene: PTPRS (protein tyrosine phosphatase receptor type S; minus strand). Cytogenetic location: 19p13.3.
Variant type: single nucleotide variant.
Coding change: c.2146G>A on transcript NM_002850.4 (MANE Select); coding-DNA position 2146, G replaced by A.
Protein change: p.Asp716Asn; replaces aspartic acid 716 with asparagine.
Molecular consequence: missense variant. On other transcripts: intron variant (2).
Genome position (GRCh38, 1-based): chr19:5,231,319, C>T on the plus strand (G>A on the coding strand, the complement: PTPRS is on the minus strand). VCF-style: chr19-5231319-C-T. GRCh37 (hg19) VCF-style: chr19-5231330-C-T.
Other names: c.1810+7600G>A (NM_130853.3); c.1822+7600G>A (NM_130855.3); c.2107G>A, p.Asp703Asn (NM_001394011.1, NM_001394012.1, NM_001394013.1 and 1 more transcripts); short protein forms D703N, D716N.
Identifiers: ClinVar variation 2224230 (VCV002224230.4), dbSNP rs1488356054, ClinGen allele CA403516886.